The following is an entry in ClinVar:

NM_022489.4(INF2):c.356T>G (p.Leu119Arg)

Gene: INF2 (inverted formin 2; plus strand). Cytogenetic location: 14q32.33.
Variant type: single nucleotide variant.
Coding change: c.356T>G on transcript NM_022489.4 (MANE Select); coding-DNA position 356, T replaced by G.
Protein change: p.Leu119Arg; replaces leucine 119 with arginine.
Molecular consequence: missense variant. On other transcripts: non-coding transcript variant (1).
Genome position (GRCh38, 1-based): chr14:104,701,721, T>G. VCF-style: chr14-104701721-T-G. GRCh37 (hg19) VCF-style: chr14-105168058-T-G.
Other names: c.356T>G, p.Leu119Arg (NM_001031714.4, NM_001426862.1, NM_001426863.1 and 6 more transcripts); short protein forms L119R.
Identifiers: ClinVar variation 3753946 (VCV003753946.2).

ClinVar aggregate classification (germline): Uncertain significance (1 of 4 stars; one submission).

Conditions:
Focal segmental glomerulosclerosis 5 (FSGS5). Identifiers: Orphanet 656, MedGen C2750475, MONDO:0013191, OMIM 613237.
Charcot-Marie-Tooth disease dominant intermediate E. Also called: CHARCOT-MARIE-TOOTH NEUROPATHY WITH FOCAL SEGMENTAL GLOMERULONEPHRITIS. Identifiers: Orphanet 93114, MedGen C4302667, MONDO:0013758, OMIM 614455.

Submission:

Labcorp Genetics (formerly Invitae), Labcorp
Classification: Uncertain significance for Charcot-Marie-Tooth disease dominant intermediate E; Focal segmental glomerulosclerosis 5. Last evaluated: 2024-11-26. Review status: criteria provided, single submitter. Criteria: Invitae Variant Classification Sherloc (09022015). Collection method: clinical testing. Allele origin: germline.
Comment: This sequence change replaces leucine, which is neutral and non-polar, with arginine, which is basic and polar, at codon 119 of the INF2 protein (p.Leu119Arg). This variant is not present in population databases (gnomAD no frequency). This variant has not been reported in the literature in individuals affected with INF2-related conditions. Invitae Evidence Modeling of protein sequence and biophysical properties (such as structural, functional, and spatial information, amino acid conservation, physicochemical variation, residue mobility, and thermodynamic stability) indicates that this missense variant is expected to disrupt INF2 protein function with a positive predictive value of 95%. In summary, the available evidence is currently insufficient to determine the role of this variant in disease. Therefore, it has been classified as a Variant of Uncertain Significance.